The following is an entry in ClinVar:

ClinVar aggregate classification (germline): Conflicting classifications of pathogenicity. Review status: criteria provided, conflicting classifications (1 of 4 stars). 5 submissions from 5 submitters: Uncertain significance (4); Likely benign (1). Last evaluated 2024-11-18.

Conditions:
Familial cancer of breast. Also called: BREAST CANCER, FAMILIAL; hereditary breast carcinoma; Hereditary breast cancer. Identifiers: Orphanet 227535, MedGen C0346153, MONDO:0016419, OMIM 114480. Disease mechanism: loss of function.
Hereditary cancer-predisposing syndrome. Also called: Neoplastic Syndromes, Hereditary; Tumor predisposition; Hereditary neoplastic syndrome; Hereditary Cancer Syndrome. Identifiers: Orphanet 140162, MedGen C0027672, MeSH D009386, MONDO:0015356.

Allele frequency attached by ClinVar (database versions not stated): gnomAD exomes below 0.00001 and 0.00001.
gnomAD v4.1: 3 of 1,613,608 alleles (0.00019%); highest among the groups gnomAD compares: Admixed American, 0.0033%; no homozygotes.

Submissions (5):

Labcorp Genetics (formerly Invitae), Labcorp
Classification: Uncertain significance for Familial cancer of breast. Last evaluated: 2024-11-18. Review status: criteria provided, single submitter. Criteria: Invitae Variant Classification Sherloc (09022015). Collection method: clinical testing. Allele origin: germline.
Comment: This sequence change replaces asparagine, which is neutral and polar, with histidine, which is basic and polar, at codon 336 of the PALB2 protein (p.Asn336His). This variant is present in population databases (no rsID available, gnomAD 0.006%). This variant has not been reported in the literature in individuals affected with PALB2-related conditions. ClinVar contains an entry for this variant (Variation ID: 578696). Invitae Evidence Modeling of protein sequence and biophysical properties (such as structural, functional, and spatial information, amino acid conservation, physicochemical variation, residue mobility, and thermodynamic stability) indicates that this missense variant is not expected to disrupt PALB2 protein function with a negative predictive value of 80%. In summary, the available evidence is currently insufficient to determine the role of this variant in disease. Therefore, it has been classified as a Variant of Uncertain Significance.

Quest Diagnostics Nichols Institute San Juan Capistrano
Classification: Uncertain significance. Last evaluated: 2024-10-20. Review status: criteria provided, single submitter. Criteria: Quest Diagnostics criteria. Collection method: clinical testing. Allele origin: unknown.
Comment: The PALB2 c.1006A>C (p.Asn336His) variant has been reported in the published literature in a cohort of women identified as having low risk for breast cancer (PMID: 38153744 (2023)). The frequency of this variant in the general population, 0.000008 (2/250974 chromosomes (Genome Aggregation Database)), is uninformative in the assessment of its pathogenicity. Analysis of this variant using bioinformatics tools for the prediction of the effect of amino acid changes on protein structure and function yielded predictions that this variant is benign. Based on the available information, we are unable to determine the clinical significance of this variant.

Ambry Genetics
Classification: Likely benign for Hereditary cancer-predisposing syndrome. Last evaluated: 2024-04-08. Review status: criteria provided, single submitter. Criteria: Ambry Variant Classification Scheme 2023. Collection method: clinical testing. Allele origin: germline.

Women's Health and Genetics/Laboratory Corporation of America, LabCorp
Classification: Uncertain significance. Last evaluated: 2023-11-10. Review status: criteria provided, single submitter. Criteria: LabCorp Variant Classification Summary - May 2015. Collection method: clinical testing. Allele origin: germline.

GeneDx
Classification: Uncertain significance. Last evaluated: 2019-05-08. Review status: criteria provided, single submitter. Criteria: GeneDx Variant Classification Process June 2021. Collection method: clinical testing. Allele origin: germline. Affected: yes.
Comment: Not observed at a significant frequency in large population cohorts (Lek et al., 2016); In silico analysis, which includes protein predictors and evolutionary conservation, supports a deleterious effect; Has not been previously published as pathogenic or benign to our knowledge

Literature cited by the submitters: PubMed 38153744 (cited by Quest Diagnostics Nichols Institute San Juan Capistrano).

NM_024675.4(PALB2):c.1006A>C (p.Asn336His)

Gene: PALB2 (partner and localizer of BRCA2; minus strand). Cytogenetic location: 16p12.2.
Variant type: single nucleotide variant.
Coding change: c.1006A>C on transcript NM_024675.4 (MANE Select); coding-DNA position 1006, A replaced by C.
Protein change: p.Asn336His; replaces asparagine 336 with histidine.
Molecular consequence: missense variant.
Genome position (GRCh38, 1-based): chr16:23,635,540, T>G on the plus strand (A>C on the coding strand, the complement: PALB2 is on the minus strand). VCF-style: chr16-23635540-T-G. GRCh37 (hg19) VCF-style: chr16-23646861-T-G.
Other names: short protein forms N336H.
Identifiers: ClinVar variation 578696 (VCV000578696.22), dbSNP rs1060502774, ClinGen allele CA395134551.